The following is an entry in ClinVar:

ClinVar aggregate classification (germline): Likely benign. Review status: criteria provided, multiple submitters, no conflicts (2 of 4 stars). 3 submissions from 3 submitters: Likely benign (3). Last evaluated 2025-09-14.

Conditions:
Infantile neuroaxonal dystrophy (NBIA2A). Also called: SEITELBERGER DISEASE; Infantile neuroaxonal dystrophy 1; NEURODEGENERATION WITH BRAIN IRON ACCUMULATION 2A. Identifiers: Orphanet 35069, MedGen C0270724, MONDO:0024457, OMIM 256600.

Allele frequency attached by ClinVar (database versions not stated): gnomAD 0.00003 and 0.00004; gnomAD exomes 0.00003 and 0.00006; TOPMed 0.00004.
gnomAD v4.1: 52 of 1,549,888 alleles (0.0034%); highest among the groups gnomAD compares: Middle Eastern, 0.065%; no homozygotes.

Submissions (3):

Labcorp Genetics (formerly Invitae), Labcorp
Classification: Likely benign for Infantile neuroaxonal dystrophy. Last evaluated: 2025-09-14. Review status: criteria provided, single submitter. Criteria: Invitae Variant Classification Sherloc (09022015). Collection method: clinical testing. Allele origin: germline.

CeGaT Center for Human Genetics Tuebingen
Classification: Likely benign. Last evaluated: 2023-06-01. Review status: criteria provided, single submitter. Criteria: CeGaT Center For Human Genetics Tuebingen Variant Classification Criteria Version 2. Collection method: clinical testing. Allele origin: germline. Affected: yes. Observed: 1 variant allele.
Comment: PLA2G6: BP4, BP7

GeneDx
Classification: Likely benign. Last evaluated: 2019-12-12. Review status: criteria provided, single submitter. Criteria: GeneDx Variant Classification Process June 2021. Collection method: clinical testing. Allele origin: germline. Affected: yes.

NM_003560.4(PLA2G6):c.1548G>A (p.Ala516=)

Gene: PLA2G6 (phospholipase A2 group VI; minus strand). Cytogenetic location: 22q13.1.
Variant type: single nucleotide variant.
Coding change: c.1548G>A on transcript NM_003560.4 (MANE Select); coding-DNA position 1548, G replaced by A.
Protein change: p.Ala516=; no amino-acid change (alanine 516 retained).
Molecular consequence: synonymous variant.
Genome position (GRCh38, 1-based): chr22:38,123,138, C>T on the plus strand (G>A on the coding strand, the complement: PLA2G6 is on the minus strand). VCF-style: chr22-38123138-C-T. GRCh37 (hg19) VCF-style: chr22-38519145-C-T.
Other names: c.1386G>A, p.Ala462= (NM_001004426.3, NM_001199562.3, NM_001349865.2 and 1 more transcripts); c.1548G>A, p.Ala516= (NM_001349864.2); c.1014G>A, p.Ala338= (NM_001349867.2); c.870G>A, p.Ala290= (NM_001349868.2); c.852G>A, p.Ala284= (NM_001349869.2).
Identifiers: ClinVar variation 1189841 (VCV001189841.37), dbSNP rs1031583350, ClinGen allele CA324189578.